The following is an entry in ClinVar:

NM_000051.4(ATM):c.7789-19T>C

Genes: ATM (ATM serine/threonine kinase; plus strand), C11orf65 (chromosome 11 open reading frame 65; minus strand). Cytogenetic location: 11q22.3.
Variant type: single nucleotide variant.
Coding change: c.7789-19T>C on transcript NM_000051.4 (MANE Select); 19 bases into the intron before coding-DNA position 7789, T replaced by C.
Molecular consequence: intron variant.
Genome position (GRCh38, 1-based): chr11:108,332,743, T>C. VCF-style: chr11-108332743-T-C. GRCh37 (hg19) VCF-style: chr11-108203470-T-C.
Other names: c.7789-19T>C (NM_001351834.2); c.641-23672A>G (NM_001330368.2); c.*38+2477A>G (NM_001351110.2).
Identifiers: ClinVar variation 1275850 (VCV001275850.12), dbSNP rs560800769, ClinGen allele CA228419178.
Genomic context (GRCh38, chr11:108,332,743, plus strand): 5'-TTCTCTTTGTTTTTCTAACTCTGAGAAGTTTAAATGTTGGGTAGTTCCTTATGTAATGTT[T>C]TTTGTTTTTTATTAATAGGATCGAACAGAGGCTGCAAATAGAATAATATGTACTATCAGA-3'

ClinVar aggregate classification (germline): Likely benign. Review status: criteria provided, multiple submitters, no conflicts (2 of 4 stars). 4 submissions from 4 submitters: Likely benign (2). 2 of the submissions do not count toward it. Last evaluated 2025-12-08.

Conditions:
Familial cancer of breast. Also called: BREAST CANCER, FAMILIAL; Hereditary breast cancer; hereditary breast carcinoma. Identifiers: Orphanet 227535, MedGen C0346153, MONDO:0016419, OMIM 114480. Disease mechanism: loss of function.
Ataxia-telangiectasia syndrome (AT). Also called: LOUIS-BAR SYNDROME; Cerebello-oculocutaneous telangiectasia; Immunodeficiency with ataxia telangiectasia; Ataxia-telangiectasia, complementation group D; AT, COMPLEMENTATION GROUP C; ATAXIA-TELANGIECTASIA, COMPLEMENTATION GROUP A. Identifiers: Orphanet 100, MedGen C0004135, MONDO:0008840, OMIM 208900.

Allele frequency attached by ClinVar (database versions not stated): gnomAD exomes 0.00001 and below 0.00001; TOPMed below 0.00001.
gnomAD v4.1: 9 of 1,609,416 alleles (0.00056%); highest among the groups gnomAD compares: Non-Finnish European, 0.00076%; no homozygotes.

Submissions (4):

Labcorp Genetics (formerly Invitae), Labcorp
Classification: Likely benign for Ataxia-telangiectasia syndrome. Last evaluated: 2025-12-08. Review status: criteria provided, single submitter. Criteria: Invitae Variant Classification Sherloc (09022015). Collection method: clinical testing. Allele origin: germline.

Myriad Genetics, Inc.
Classification: Likely benign for Familial cancer of breast. Last evaluated: 2024-06-17. Review status: criteria provided, single submitter. Criteria: Myriad Autosomal Dominant, Autosomal Recessive and X-Linked Classification Criteria (2023). Collection method: clinical testing. Allele origin: unknown.
Comment: This variant is considered likely benign. This variant is intronic and is not expected to impact mRNA splicing.

Clinical Genetics Laboratory, Department of Pathology, Netherlands Cancer Institute
Classification: Likely benign. Review status: no assertion criteria provided. Collection method: clinical testing. Allele origin: germline. Affected: yes. Study: VKGL Data-share Consensus. Not counted in ClinVar's aggregate classification.

Joint Genome Diagnostic Labs from Nijmegen and Maastricht, Radboudumc and MUMC+
Classification: Likely benign. Review status: no assertion criteria provided. Collection method: clinical testing. Allele origin: germline. Affected: yes. Study: VKGL Data-share Consensus. Not counted in ClinVar's aggregate classification.